The following is an entry in ClinVar:

ClinVar aggregate classification (germline): Likely benign. Review status: reviewed by expert panel (3 of 4 stars). 30 submissions from 30 submitters: Likely benign (1). 29 of the submissions do not count toward it. Last evaluated 2017-06-29.

Conditions:
BRCA2-related disorder. Also called: BRCA2-related condition; BRCA2-related disorders. Identifiers: MedGen CN239275.
Hereditary cancer-predisposing syndrome. Also called: Neoplastic Syndromes, Hereditary; Tumor predisposition; Hereditary Cancer Syndrome; Hereditary neoplastic syndrome. Identifiers: Orphanet 140162, MedGen C0027672, MeSH D009386, MONDO:0015356.
Glioma susceptibility 3 (GLM3). Also called: Glioblastoma 3. Identifiers: Orphanet 182067, Orphanet 360, MedGen C2751641, MONDO:0013093, OMIM 613029.
Wilms tumor 1 (WT1). Also called: Wilms tumor, somatic. Identifiers: Orphanet 654, MedGen CN033288, MONDO:0008679, OMIM 194070.
Familial cancer of breast. Also called: Hereditary breast cancer; BREAST CANCER, FAMILIAL; hereditary breast carcinoma. Identifiers: Orphanet 227535, MedGen C0346153, MONDO:0016419, OMIM 114480. Disease mechanism: loss of function.
Prostate cancer. Also called: Malignant tumor of prostate. Identifiers: Orphanet 1331, MedGen C0376358, MONDO:0008315, HP:0012125.
Breast-ovarian cancer, familial, susceptibility to, 2 (BROVCA2). Also called: BRCA2 Hereditary Breast and Ovarian Cancer. Identifiers: Orphanet 145, MedGen C2675520, MONDO:0012933, OMIM 612555. Disease mechanism: loss of function.
Fanconi anemia complementation group D1. Also called: BRCA2-Related Fanconi Anemia. Identifiers: Orphanet 319462, MedGen C1838457, MONDO:0011584, OMIM 605724.
Medulloblastoma (MDB). Also called: Medulloblastoma, somatic; MEDULLOBLASTOMA PREDISPOSITION SYNDROME. Identifiers: Orphanet 616, MedGen C0025149, MeSH D008527, MONDO:0007959, OMIM 155255, HP:0002885.
Pancreatic cancer, susceptibility to, 2. Identifiers: Orphanet 1333, MedGen C3150546, MONDO:0013235, OMIM 613347.
Breast and/or ovarian cancer. Identifiers: MedGen CN221562.
Hereditary breast ovarian cancer syndrome. Also called: Hereditary breast and/or ovarian cancer syndrome; Hereditary breast and ovarian cancer syndrome; Hereditary breast and ovarian cancer; Hereditary breast and ovarian cancer syndrome (HBOC); Breast and ovarian cancer; BRCA1- and BRCA2-Associated Hereditary Breast and Ovarian Cancer. Identifiers: Orphanet 145, MedGen C0677776, MeSH D061325, MONDO:0003582. Disease mechanism: loss of function.

Allele frequency attached by ClinVar (database versions not stated): gnomAD 0.00026 and 0.00025; ExAC 0.00029; ESP Exome Variant Server 0.00031; gnomAD exomes 0.00067 and 0.00025; TOPMed 0.00024.
gnomAD v4.1: 1,001 of 1,611,462 alleles (0.062%); highest among the groups gnomAD compares: Non-Finnish European, 0.082%; no homozygotes.

Submissions 1 to 17 of 30:

Evidence-based Network for the Interpretation of Germline Mutant Alleles (ENIGMA)
Classification: Likely benign for Breast-ovarian cancer, familial, susceptibility to, 2. Last evaluated: 2017-06-29. Review status: reviewed by expert panel. Criteria: ENIGMA BRCA1/2 Classification Criteria (2017-06-29). Collection method: curation. Allele origin: germline.
Comment: Synonymous substitution variant, with low bioinformatic likelihood to result in a splicing aberration (Splicing prior probability 0.02).

CeGaT Center for Human Genetics Tuebingen
Classification: Likely benign. Last evaluated: 2026-09-01. Review status: criteria provided, single submitter. Criteria: CeGaT Center For Human Genetics Tuebingen Variant Classification Criteria Version 2. Collection method: clinical testing. Allele origin: germline. Affected: yes. Observed: 3 variant alleles. Not counted in ClinVar's aggregate classification.
Comment: BRCA2: BP4, BP7

Labcorp Genetics (formerly Invitae), Labcorp
Classification: Benign for Hereditary breast ovarian cancer syndrome. Last evaluated: 2026-02-03. Review status: criteria provided, single submitter. Criteria: Invitae Variant Classification Sherloc (09022015). Collection method: clinical testing. Allele origin: germline. Not counted in ClinVar's aggregate classification.

Molecular Diagnostics Laboratory, Catalan Institute of Oncology
Classification: Benign for Hereditary cancer-predisposing syndrome. Last evaluated: 2025-06-02. Review status: criteria provided, single submitter. Criteria: ClinGen BRCA1BRCA2 ACMG Specifications BRCA2 V1.0.0. Collection method: clinical testing. Allele origin: germline. Not counted in ClinVar's aggregate classification.
Comment: BS1, BP1_Strong c.1395A>C, located in exon 10 of the BRCA2 gene, is predicted to result in no amino acid change, p.(Val465=). This position is outside a (potentially) clinically important functional domain and, moreover, the SpliceAI algorithm predicts no significant impact on splicing (BP1_Strong). This variant is found in 69/128208 alleles, with a filter allele frequency of 0.04% at 95% confidence, within the European non-Finnish population in gnomAD v2.1 (non-cancer dataset) (BS1). To our knowledge, neither relevant clinical data nor well-established functional studies have been reported for this variant. This variant has been reported in the ClinVar database (8x benign, 17x likely benign, 1x uncertain significance), in the LOVD database (multiple entries as benign, likely benign, and uncertain significance,) and was classified in 2017 by the ENIGMA expert panel as likely benign. Based on currently available information, the variant c.1395A>C should be considered a benign variant according to ClinGen ENIGMA BRCA1 and BRCA2 Expert Panel Specifications to the ACMG/AMP Variant Interpretation Guidelines for BRCA2 Version 1.0.0.

Center for Genomic Medicine, Rigshospitalet, Copenhagen University Hospital
Classification: Likely benign. Last evaluated: 2025-03-04. Review status: criteria provided, single submitter. Criteria: ACMG Guidelines, 2015. Collection method: clinical testing. Allele origin: germline. Not counted in ClinVar's aggregate classification.

Blueprint Genetics
Classification: Likely benign. Last evaluated: 2024-10-18. Review status: criteria provided, single submitter. Criteria: ACMG Guidelines, 2015. Collection method: clinical testing. Allele origin: germline. Not counted in ClinVar's aggregate classification.

ARUP Laboratories, Molecular Genetics and Genomics, ARUP Laboratories
Classification: Benign. Last evaluated: 2024-05-17. Review status: criteria provided, single submitter. Criteria: ARUP Molecular Germline Variant Investigation Process 2024. Collection method: clinical testing. Allele origin: germline. Not counted in ClinVar's aggregate classification.

All of Us Research Program, National Institutes of Health
Classification: Benign for Breast-ovarian cancer, familial, susceptibility to, 2. Last evaluated: 2024-02-05. Review status: criteria provided, single submitter. Criteria: ACMG Guidelines, 2015. Collection method: clinical testing. Allele origin: germline. Inheritance: Autosomal dominant inheritance. Observed: 83 variant alleles, 83 heterozygotes. Not counted in ClinVar's aggregate classification.
Comment: This study involves interpretation of variants in research participants for the purpose of population health screening. Participant phenotype was not available at the time of variant classification. Additional details can be found in publication PMID: 35346344, PMCID: PMC8962531

Mayo Clinic Laboratories, Mayo Clinic
Classification: Benign. Last evaluated: 2023-08-16. Review status: criteria provided, single submitter. Criteria: ACMG Guidelines, 2015. Collection method: clinical testing. Allele origin: germline. Observed: 5 variant alleles. Not counted in ClinVar's aggregate classification.
Comment: BS1, BP1_strong, BP6, BP7_strong

CHEO Genetics Diagnostic Laboratory, Children's Hospital of Eastern Ontario
Classification: Likely benign for Breast and/or ovarian cancer. Last evaluated: 2022-12-01. Review status: criteria provided, single submitter. Criteria: ACMG Guidelines, 2015. Collection method: clinical testing. Allele origin: germline. Not counted in ClinVar's aggregate classification.

Fulgent Genetics
Classification: Likely benign for Familial cancer of breast; Medulloblastoma; Familial prostate cancer; Wilms tumor 1; Fanconi anemia complementation group D1; Breast-ovarian cancer, familial, susceptibility to, 2; Glioma susceptibility 3; Pancreatic cancer, susceptibility to, 2. Last evaluated: 2022-02-17. Review status: criteria provided, single submitter. Criteria: ACMG Guidelines, 2015. Collection method: clinical testing. Allele origin: unknown. Not counted in ClinVar's aggregate classification.

Genetic Services Laboratory, University of Chicago
Classification: Likely benign. Last evaluated: 2022-01-20. Review status: criteria provided, single submitter. Criteria: ACMG Guidelines, 2015. Collection method: clinical testing. Allele origin: germline. Affected: no. Not counted in ClinVar's aggregate classification.

Sema4
Classification: Likely benign for Hereditary cancer-predisposing syndrome. Last evaluated: 2021-04-10. Review status: criteria provided, single submitter. Criteria: Sema4 Curation Guidelines. Collection method: curation. Allele origin: germline. Not counted in ClinVar's aggregate classification.

Genome Diagnostics Laboratory, University Medical Center Utrecht
Classification: Likely benign for Breast-ovarian cancer, familial, susceptibility to, 2. Last evaluated: 2017-07-31. Review status: criteria provided, single submitter. Criteria: ACGS Guidelines, 2013. Collection method: clinical testing. Allele origin: germline. Affected: yes. Study: VKGL Data-share Consensus. Not counted in ClinVar's aggregate classification.

Cancer Genetics and Genomics Laboratory, British Columbia Cancer Agency
Classification: Benign. Last evaluated: 2017-04-18. Review status: criteria provided, single submitter. Criteria: ACMG Guidelines, 2015. Collection method: clinical testing. Allele origin: germline. Study: The Canadian Open Genetics Repository (COGR). Not counted in ClinVar's aggregate classification.

Institute for Biomarker Research, Medical Diagnostic Laboratories, L.L.C.
Classification: Likely benign for Hereditary breast and ovarian cancer syndrome(HBOC). Last evaluated: 2017-02-14. Review status: criteria provided, single submitter. Criteria: ACMG Guidelines, 2015. Collection method: clinical testing. Allele origin: germline. Not counted in ClinVar's aggregate classification.

Molecular Genetics Laboratory, University of Michigan
Classification: Benign for Breast-ovarian cancer, familial, susceptibility to, 2. Last evaluated: 2016-04-21. Review status: criteria provided, single submitter. Criteria: ACMG Guidelines, 2015. Collection method: clinical testing. Allele origin: germline. Affected: yes. Not counted in ClinVar's aggregate classification.

NM_000059.4(BRCA2):c.1395A>C (p.Val465=)

Gene: BRCA2 (BRCA2 DNA repair associated; plus strand). Cytogenetic location: 13q13.1.
Variant type: single nucleotide variant.
Coding change: c.1395A>C on transcript NM_000059.4 (MANE Select); coding-DNA position 1395, A replaced by C.
Protein change: p.Val465=; no amino-acid change (valine 465 retained).
Molecular consequence: synonymous variant.
Genome position (GRCh38, 1-based): chr13:32,332,873, A>C. VCF-style: chr13-32332873-A-C. GRCh37 (hg19) VCF-style: chr13-32907010-A-C.
Other names: V465V; p.V465V:GTA>GTC.
Identifiers: ClinVar variation 51116 (VCV000051116.93), dbSNP rs11571641, ClinGen allele CA011875.